The following is an entry in ClinVar:

ClinVar aggregate classification (germline): Uncertain significance (1 of 4 stars; one submission).

Conditions:
Peroxisome biogenesis disorder 11A (Zellweger). Also called: Peroxisome biogenesis disorder 11A. Identifiers: Orphanet 912, MedGen C3554000, MONDO:0013949, OMIM 614883.

Allele frequency attached by ClinVar (database versions not stated): ExAC 0.00001.
gnomAD v4.1: 2 of 1,613,208 alleles (0.00012%); highest among the groups gnomAD compares: South Asian, 0.0011%; no homozygotes.

Submission:

Labcorp Genetics (formerly Invitae), Labcorp
Classification: Uncertain significance for Peroxisome biogenesis disorder 11A (Zellweger). Last evaluated: 2023-10-05. Review status: criteria provided, single submitter. Criteria: Invitae Variant Classification Sherloc (09022015). Collection method: clinical testing. Allele origin: germline.
Comment: This sequence change replaces alanine, which is neutral and non-polar, with serine, which is neutral and polar, at codon 295 of the PEX13 protein (p.Ala295Ser). The frequency data for this variant in the population databases is considered unreliable, as metrics indicate poor data quality at this position in the gnomAD database. This variant has not been reported in the literature in individuals affected with PEX13-related conditions. Advanced modeling of protein sequence and biophysical properties (such as structural, functional, and spatial information, amino acid conservation, physicochemical variation, residue mobility, and thermodynamic stability) performed at Invitae indicates that this missense variant is not expected to disrupt PEX13 protein function. In summary, the available evidence is currently insufficient to determine the role of this variant in disease. Therefore, it has been classified as a Variant of Uncertain Significance.

NM_002618.4(PEX13):c.883G>T (p.Ala295Ser)

Gene: PEX13 (peroxisomal biogenesis factor 13; plus strand). Cytogenetic location: 2p15.
Variant type: single nucleotide variant.
Coding change: c.883G>T on transcript NM_002618.4 (MANE Select); coding-DNA position 883, G replaced by T.
Protein change: p.Ala295Ser; replaces alanine 295 with serine.
Molecular consequence: missense variant.
Genome position (GRCh38, 1-based): chr2:61,045,821, G>T. VCF-style: chr2-61045821-G-T. GRCh37 (hg19) VCF-style: chr2-61272956-G-T.
Other names: short protein forms A295S.
Identifiers: ClinVar variation 2765917 (VCV002765917.3), dbSNP rs779108805, ClinGen allele CA1673370.
Genomic context (GRCh38, chr2:61,045,821, plus strand): 5'-GTAGTTGCCAGAGCAGAATATGATTTTGCTGCCGTATCTGAAGAAGAAATTTCTTTCCGG[G>T]CTGGTGATATGCTGAACTTAGCTCTCAAAGGTAATAAATTATGAATAAGTTGGAATTATC-3'
Protein context (NP_002609.1, residues 285-305): AVSEEEISFR[Ala295Ser]GDMLNLALKE